The following is an entry in ClinVar:

ClinVar aggregate classification (germline): Uncertain significance (1 of 4 stars; one submission).

Allele frequency attached by ClinVar (database versions not stated): TOPMed below 0.00001.

Submission:

Ambry Genetics
Classification: Uncertain significance. Last evaluated: 2023-06-01. Review status: criteria provided, single submitter. Criteria: Ambry Variant Classification Scheme 2023. Collection method: clinical testing. Allele origin: germline.
Comment: The p.S654T variant (also known as c.1960T>A), located in coding exon 13 of the NPAT gene, results from a T to A substitution at nucleotide position 1960. The serine at codon 654 is replaced by threonine, an amino acid with similar properties. This amino acid position is conserved. In addition, this alteration is predicted to be tolerated by in silico analysis. Since supporting evidence is limited at this time, the clinical significance of this alteration remains unclear.

NM_002519.3(NPAT):c.1960T>A (p.Ser654Thr)

Gene: NPAT (nuclear protein, coactivator of histone transcription; minus strand). Cytogenetic location: 11q22.3.
Variant type: single nucleotide variant.
Coding change: c.1960T>A on transcript NM_002519.3 (MANE Select); coding-DNA position 1960, T replaced by A.
Protein change: p.Ser654Thr; replaces serine 654 with threonine.
Molecular consequence: missense variant.
Genome position (GRCh38, 1-based): chr11:108,173,024, A>T on the plus strand (T>A on the coding strand, the complement: NPAT is on the minus strand). VCF-style: chr11-108173024-A-T. GRCh37 (hg19) VCF-style: chr11-108043751-A-T.
Other names: c.1960T>A, p.Ser654Thr (NM_001321307.1); short protein forms S654T.
Identifiers: ClinVar variation 2562552 (VCV002562552.2), dbSNP rs1420745479, ClinGen allele CA382513982.
Genomic context (GRCh38, chr11:108,173,024, plus strand): 5'-GAAAAATAGTATTCTCTTCTTTTACAGAAGATGAAGGCTCCTGTGAATTCTCAGACTTGG[A>T]TGCCTGAGCTTCATTTTCTGTATGATTTAACTCAACAGATGCTGAATCATTAGATGGTTG-3'
Protein context (NP_002510.2, residues 644-664): LNHTENEAQA[Ser654Thr]KSENSQEPSS